The following is an entry in ClinVar:

ClinVar aggregate classification (germline): Uncertain significance. Review status: criteria provided, multiple submitters, no conflicts (2 of 4 stars). 2 submissions from 2 submitters: Uncertain significance (2). Last evaluated 2025-04-20.

Conditions:
Inborn genetic diseases. Identifiers: MedGen C0950123, MeSH D030342.

Allele frequency attached by ClinVar (database versions not stated): gnomAD exomes below 0.00001; TOPMed 0.00001; ExAC 0.00002.
gnomAD v4.1: 4 of 1,613,678 alleles (0.00025%); highest among the groups gnomAD compares: African/African-American, 0.0027%; no homozygotes.

Submissions (2):

Ambry Genetics
Classification: Uncertain significance for Inborn genetic diseases. Last evaluated: 2025-04-20. Review status: criteria provided, single submitter. Criteria: Ambry Variant Classification Scheme 2023. Collection method: clinical testing. Allele origin: germline.

GeneDx
Classification: Uncertain significance. Last evaluated: 2023-04-26. Review status: criteria provided, single submitter. Criteria: GeneDx Variant Classification Process June 2021. Collection method: clinical testing. Allele origin: germline. Affected: yes.
Comment: Not observed at significant frequency in large population cohorts (gnomAD); In silico analysis supports that this missense variant has a deleterious effect on protein structure/function; Has not been previously published as pathogenic or benign to our knowledge

NM_025152.3(NUBPL):c.611C>T (p.Ala204Val)

Gene: NUBPL (NUBP iron-sulfur cluster assembly factor, mitochondrial; plus strand). Cytogenetic location: 14q12.
Variant type: single nucleotide variant.
Coding change: c.611C>T on transcript NM_025152.3 (MANE Select); coding-DNA position 611, C replaced by T.
Protein change: p.Ala204Val; replaces alanine 204 with valine.
Molecular consequence: missense variant. On other transcripts: non-coding transcript variant (1).
Genome position (GRCh38, 1-based): chr14:31,826,632, C>T. VCF-style: chr14-31826632-C-T. GRCh37 (hg19) VCF-style: chr14-32295838-C-T.
Other names: c.323C>T, p.Ala108Val (NM_001201573.2); c.62C>T, p.Ala21Val (NM_001201574.2); short protein forms A108V, A204V, A21V.
Identifiers: ClinVar variation 2663480 (VCV002663480.2), dbSNP rs760587173, ClinGen allele CA7147927.
Genomic context (GRCh38, chr14:31,826,632, plus strand): 5'-AAGTAATTTCTCCATAGAGAATTAAAAGATAATAGTATTTTGTTTATCTTTGGCTAGGTG[C>T]TGTGATTGTCTCCACGCCCCAGGACATCGCATTGATGGATGCACACAAGGGTGCTGAGAT-3'
Protein context (NP_079428.2, residues 194-214): SVSQNIPITG[Ala204Val]VIVSTPQDIA